The following is an entry in ClinVar:

NM_001110556.2(FLNA):c.7183C>T (p.Arg2395Trp)

Gene: FLNA (filamin A; minus strand). Cytogenetic location: Xq28.
Variant type: single nucleotide variant.
Coding change: c.7183C>T on transcript NM_001110556.2 (MANE Select); coding-DNA position 7183, C replaced by T.
Protein change: p.Arg2395Trp; replaces arginine 2395 with tryptophan.
Molecular consequence: missense variant.
Genome position (GRCh38, 1-based): chrX:154,350,181, G>A on the plus strand (C>T on the coding strand, the complement: FLNA is on the minus strand). VCF-style: chrX-154350181-G-A. GRCh37 (hg19) VCF-style: chrX-153578549-G-A.
Other names: c.7159C>T, p.Arg2387Trp (NM_001456.4); short protein forms R2387W, R2395W.
Identifiers: ClinVar variation 1014361 (VCV001014361.44), dbSNP rs368038166, ClinGen allele CA10559938.
Genomic context (GRCh38, chrX:154,350,181, plus strand): 5'-GGCTTCCAGGGATGTGGGTGCCGTTGAACTTGACGTCAATCAGGTAAACGCCATTCTCCC[G>A]AGGGATGAAGCGCACAGCATACTTATCTGAGGAGCAGGGAGTCATGCTGTGGGCCTGGGG-3'
Protein context (NP_001104026.1, residues 2385-2405): QDKYAVRFIP[Arg2395Trp]ENGVYLIDVK

ClinVar aggregate classification (germline): Conflicting classifications of pathogenicity. Review status: criteria provided, conflicting classifications (1 of 4 stars). 4 submissions from 4 submitters: Uncertain significance (3); Likely benign (1). Last evaluated 2025-10-21.

Conditions:
Familial thoracic aortic aneurysm and aortic dissection (TAAD). Also called: Thoracic aortic aneurysms and dissections. Identifiers: Orphanet 91387, MedGen C4707243, MONDO:0019625.
Heterotopia, periventricular, X-linked dominant (PVNH1). Also called: X-linked periventricular heterotopia; PERIVENTRICULAR NODULAR HETEROTOPIA 4; HETEROTOPIA, PERIVENTRICULAR, 1; PERIVENTRICULAR NODULAR HETEROTOPIA 1. Identifiers: Orphanet 2149, Orphanet 82004, MedGen C1848213, MONDO:0010233, OMIM 300049.
Frontometaphyseal dysplasia (FMD1). Identifiers: Orphanet 1826, MedGen C0265293, MONDO:0015942.
Melnick-Needles syndrome (MNS). Also called: Melnick-Needles Syndrome (FLNA-MNS); MELNICK-NEEDLES OSTEODYSPLASTY; OSTEODYSPLASTY OF MELNICK AND NEEDLES. Identifiers: Orphanet 2484, MedGen C0025237, MONDO:0010650, OMIM 309350.
Oto-palato-digital syndrome, type II (OPD2). Also called: FACIOPALATOOSSEOUS SYNDROME; Otopalatodigital Syndrome Type 2 (FLNA-OPD2); Otopalatodigital Syndrome, Type II; OPD II SYNDROME. Identifiers: Orphanet 669, Orphanet 90652, MedGen C1844696, MONDO:0010571, OMIM 304120.

Allele frequency attached by ClinVar (database versions not stated): ExAC 0.00001; gnomAD 0.00001; gnomAD exomes 0.00001; TOPMed 0.00001; ESP Exome Variant Server 0.00010.
gnomAD v4.1: 7 of 1,210,358 alleles (0.00058%); highest among the groups gnomAD compares: Non-Finnish European, 0.00078%; no homozygotes.

Submissions (4):

Labcorp Genetics (formerly Invitae), Labcorp
Classification: Likely benign for Oto-palato-digital syndrome, type II; Heterotopia, periventricular, X-linked dominant; Frontometaphyseal dysplasia; Melnick-Needles syndrome. Last evaluated: 2025-10-21. Review status: criteria provided, single submitter. Criteria: Invitae Variant Classification Sherloc (09022015). Collection method: clinical testing. Allele origin: germline.

Ambry Genetics
Classification: Uncertain significance for Familial thoracic aortic aneurysm and aortic dissection. Last evaluated: 2025-01-14. Review status: criteria provided, single submitter. Criteria: Ambry Variant Classification Scheme 2023. Collection method: clinical testing. Allele origin: germline.
Comment: The p.R2387W variant (also known as c.7159C>T), located in coding exon 43 of the FLNA gene, results from a C to T substitution at nucleotide position 7159. The arginine at codon 2387 is replaced by tryptophan, an amino acid with dissimilar properties. This amino acid position is well conserved in available vertebrate species. In addition, this alteration is predicted to be deleterious by in silico analysis. Based on data from gnomAD, the T allele has an overall frequency of 0.0006% (1/181680) total alleles studied, with no hemizygote(s) observed. The highest observed frequency was 0.0012% (1/81424) of European (non-Finnish) alleles. Based on the available evidence, the clinical significance of this variant remains unclear.

CeGaT Center for Human Genetics Tuebingen
Classification: Uncertain significance. Last evaluated: 2021-11-01. Review status: criteria provided, single submitter. Criteria: CeGaT Center For Human Genetics Tuebingen Variant Classification Criteria Version 2. Collection method: clinical testing. Allele origin: germline. Affected: yes. Observed: 1 variant allele.

GeneDx
Classification: Uncertain significance. Last evaluated: 2020-10-09. Review status: criteria provided, single submitter. Criteria: GeneDx Variant Classification Process June 2021. Collection method: clinical testing. Allele origin: germline. Affected: yes.
Comment: Has not been previously published as pathogenic or benign to our knowledge; Not observed at a significant frequency in large population cohorts (Lek et al., 2016); In silico analysis supports that this missense variant has a deleterious effect on protein structure/function